The following is an entry in ClinVar:

NM_014608.6(CYFIP1):c.1675-307G>A

Gene: CYFIP1 (cytoplasmic FMR1 interacting protein 1; minus strand). Cytogenetic location: 15q11.2.
Variant type: single nucleotide variant.
Coding change: c.1675-307G>A on transcript NM_014608.6 (MANE Select); 307 bases into the intron before coding-DNA position 1675, G replaced by A.
Molecular consequence: intron variant. On other transcripts: synonymous variant (1), 5 prime UTR variant (1).
Genome position (GRCh38, 1-based): chr15:22,916,937, C>T on the plus strand (G>A on the coding strand, the complement: CYFIP1 is on the minus strand). VCF-style: chr15-22916937-C-T. GRCh37 (hg19) VCF-style: chr15-22956131-G-A.
Other names: c.75G>A, p.Ala25= (NM_001033028.3); c.-62G>A (NM_001324122.3); c.1777-307G>A (NM_001324119.2); c.1675-307G>A (NM_001324120.2, NM_001324123.3, NM_001287810.4); c.1309-307G>A (NM_001324125.3); c.1585-307G>A (NM_001324124.3); c.1573-307G>A (NM_001324126.3).
Identifiers: ClinVar variation 2644948 (VCV002644948.24), dbSNP rs147270243, ClinGen allele CA7424769.

ClinVar aggregate classification (germline): Likely benign (1 of 4 stars; one submission).

Allele frequency attached by ClinVar (database versions not stated): ExAC 0.00069; ESP Exome Variant Server 0.00133; 1000 Genomes Project 0.00140; 1000 Genomes Project 30x 0.00156; gnomAD 0.00212; TOPMed 0.00227.
gnomAD v4.1: 572 of 1,551,706 alleles (0.037%); highest among the groups gnomAD compares: African/African-American, 0.68%; 2 homozygotes.

Submission:

CeGaT Center for Human Genetics Tuebingen
Classification: Likely benign. Last evaluated: 2023-02-01. Review status: criteria provided, single submitter. Criteria: CeGaT Center For Human Genetics Tuebingen Variant Classification Criteria Version 2. Collection method: clinical testing. Allele origin: germline. Affected: yes. Observed: 1 variant allele.
Comment: CYFIP1: BP4, BP7